The following is an entry in ClinVar:

ClinVar aggregate classification (germline): Pathogenic. Review status: criteria provided, multiple submitters, no conflicts (2 of 4 stars). 2 submissions from 2 submitters: Pathogenic (2). Last evaluated 2025-06-09.

Conditions:
Hereditary nonpolyposis colorectal neoplasms. Identifiers: MedGen C0009405, MeSH D003123.

Submissions (2):

GeneDx
Classification: Pathogenic. Last evaluated: 2025-06-09. Review status: criteria provided, single submitter. Criteria: GeneDx Variant Classification Process June 2021. Collection method: clinical testing. Allele origin: germline. Affected: yes.
Comment: Frameshift variant predicted to result in protein truncation or nonsense mediated decay in a gene for which loss of function is a known mechanism of disease; Not observed at significant frequency in large population cohorts (gnomAD); Truncating variants in this gene are considered pathogenic by a well-established clinical consortium and/or database; Observed in individuals with a personal or family history consistent with pathogenic variants in this gene (PMID: 29345684); This variant is associated with the following publications: (PMID: 29345684)

Labcorp Genetics (formerly Invitae), Labcorp
Classification: Pathogenic for Hereditary nonpolyposis colon cancer. Last evaluated: 2018-08-20. Review status: criteria provided, single submitter. Criteria: Invitae Variant Classification Sherloc (09022015). Collection method: clinical testing. Allele origin: germline.
Comment: This sequence change creates a premature translational stop signal (p.Asp48Metfs*9) in the PMS2 gene. It is expected to result in an absent or disrupted protein product. This variant is not present in population databases (ExAC no frequency). This variant has not been reported in the literature in individuals with PMS2-related disease. ClinVar contains an entry for this variant (Variation ID: 419888). Loss-of-function variants in PMS2 are known to be pathogenic (PMID: 21376568, 24362816). For these reasons, this variant has been classified as Pathogenic.

NM_000535.7(PMS2):c.142del (p.Asp48fs)

Gene: PMS2 (PMS1 homolog 2, mismatch repair system component; minus strand). Cytogenetic location: 7p22.1.
Variant type: Deletion.
Coding change: c.142del on transcript NM_000535.7 (MANE Select); coding-DNA position 142, one base deleted (G; older notation c.142delG).
Protein change: p.Asp48fs; shifts the reading frame from aspartic acid 48.
Molecular consequence: frameshift variant. On other transcripts: 5 prime UTR variant (8), non-coding transcript variant (1), intron variant (3).
Genome position (GRCh38, 1-based): chr7:6,005,913, C deleted on the plus strand (G on the coding strand, the reverse complement: PMS2 is on the minus strand); the first of 2 consecutive C bases (chr7:6,005,913-6,005,914); deleting either gives the same sequence. VCF-style (leftmost placement, unchanged base first): chr7-6005912-TC-T. GRCh37 (hg19) VCF-style: chr7-6045543-TC-T.
Other names: c.-264del (NM_001322003.2, NM_001322005.2, NM_001322009.2 and 1 more transcripts); c.142del, p.Asp48fs (NM_001322006.2, NM_001322014.2); c.-74del (NM_001322007.2); c.-743del (NM_001322011.2, NM_001322012.2); c.-343del (NM_001322015.2); c.-52-1855del (NM_001322008.2); c.-242-1855del (NM_001322010.2, NM_001322004.2); c.142delG (NM_000535.5); short protein forms D48fs.
Identifiers: ClinVar variation 419888 (VCV000419888.5), dbSNP rs1064794173, ClinGen allele CA16618543.